The following is an entry in ClinVar:

NM_001845.6(COL4A1):c.7C>T (p.Pro3Ser)

Gene: COL4A1 (collagen type IV alpha 1 chain; minus strand). Cytogenetic location: 13q34.
Variant type: single nucleotide variant.
Coding change: c.7C>T on transcript NM_001845.6 (MANE Select); coding-DNA position 7, C replaced by T.
Protein change: p.Pro3Ser; replaces proline 3 with serine.
Molecular consequence: missense variant.
Genome position (GRCh38, 1-based): chr13:110,307,021, G>A on the plus strand (C>T on the coding strand, the complement: COL4A1 is on the minus strand). VCF-style: chr13-110307021-G-A. GRCh37 (hg19) VCF-style: chr13-110959368-G-A.
Other names: c.7C>T, p.Pro3Ser (NM_001303110.2); short protein forms P3S.
Identifiers: ClinVar variation 2012219 (VCV002012219.4), dbSNP rs751749989, ClinGen allele CA388732773.

ClinVar aggregate classification (germline): Uncertain significance (1 of 4 stars; one submission).

gnomAD v4.1: 1 of 1,464,628 alleles (0.000068%); highest among the groups gnomAD compares: South Asian, 0.0013%; no homozygotes.

Submission:

Labcorp Genetics (formerly Invitae), Labcorp
Classification: Uncertain significance. Last evaluated: 2022-08-23. Review status: criteria provided, single submitter. Criteria: Invitae Variant Classification Sherloc (09022015). Collection method: clinical testing. Allele origin: germline.
Comment: In summary, the available evidence is currently insufficient to determine the role of this variant in disease. Therefore, it has been classified as a Variant of Uncertain Significance. Advanced modeling of protein sequence and biophysical properties (such as structural, functional, and spatial information, amino acid conservation, physicochemical variation, residue mobility, and thermodynamic stability) performed at Invitae indicates that this missense variant is not expected to disrupt COL4A1 protein function. This variant has not been reported in the literature in individuals affected with COL4A1-related conditions. This variant is not present in population databases (gnomAD no frequency). This sequence change replaces proline, which is neutral and non-polar, with serine, which is neutral and polar, at codon 3 of the COL4A1 protein (p.Pro3Ser).